The following is an entry in ClinVar:

ClinVar aggregate classification (germline): Uncertain significance. Review status: criteria provided, multiple submitters, no conflicts (2 of 4 stars). 2 submissions from 2 submitters: Uncertain significance (2). Last evaluated 2025-08-11.

Conditions:
Inborn genetic diseases. Identifiers: MedGen C0950123, MeSH D030342.

gnomAD v4.1: 18 of 1,577,948 alleles (0.0011%); highest among the groups gnomAD compares: Admixed American, 0.0037%; no homozygotes.

Submissions (2):

Ambry Genetics
Classification: Uncertain significance for Inborn genetic diseases. Last evaluated: 2025-08-11. Review status: criteria provided, single submitter. Criteria: Ambry Variant Classification Scheme 2023. Collection method: clinical testing. Allele origin: germline.

Labcorp Genetics (formerly Invitae), Labcorp
Classification: Uncertain significance. Last evaluated: 2025-07-30. Review status: criteria provided, single submitter. Criteria: Invitae Variant Classification Sherloc (09022015). Collection method: clinical testing. Allele origin: germline.
Comment: This sequence change replaces arginine, which is basic and polar, with glutamine, which is neutral and polar, at codon 150 of the ATP5D protein (p.Arg150Gln). This variant is not present in population databases (gnomAD no frequency). This variant has not been reported in the literature in individuals affected with ATP5D-related conditions. ClinVar contains an entry for this variant (Variation ID: 2722361). An algorithm developed to predict the effect of missense changes on protein structure and function outputs the following: PolyPhen-2: "Possibly Damaging". The glutamine amino acid residue is found in multiple mammalian species, which suggests that this missense change does not adversely affect protein function. In summary, the available evidence is currently insufficient to determine the role of this variant in disease. Therefore, it has been classified as a Variant of Uncertain Significance.

NM_001687.5(ATP5F1D):c.449G>A (p.Arg150Gln)

Genes: ATP5F1D (ATP synthase F1 subunit delta; plus strand), LOC130062904 (ATAC-STARR-seq lymphoblastoid silent region 9674; plus strand). Cytogenetic location: 19p13.3.
Variant type: single nucleotide variant.
Coding change: c.449G>A on transcript NM_001687.5 (MANE Select); coding-DNA position 449, G replaced by A.
Protein change: p.Arg150Gln; replaces arginine 150 with glutamine.
Molecular consequence: missense variant.
Genome position (GRCh38, 1-based): chr19:1,244,379, G>A. VCF-style: chr19-1244379-G-A. GRCh37 (hg19) VCF-style: chr19-1244378-G-A.
Other names: c.449G>A, p.Arg150Gln (NM_001001975.2); c.449G>A (NM_001687.4); short protein forms R150Q.
Identifiers: ClinVar variation 2722361 (VCV002722361.4), dbSNP rs772599030, ClinGen allele CA304014359.